The following is an entry in ClinVar:

NM_000465.4(BARD1):c.316C>G (p.Gln106Glu)

Gene: BARD1 (BRCA1 associated RING domain 1; minus strand). Cytogenetic location: 2q35.
Variant type: single nucleotide variant.
Coding change: c.316C>G on transcript NM_000465.4 (MANE Select); coding-DNA position 316, C replaced by G.
Protein change: p.Gln106Glu; replaces glutamine 106 with glutamic acid.
Molecular consequence: missense variant. On other transcripts: non-coding transcript variant (1), intron variant (2).
Genome position (GRCh38, 1-based): chr2:214,792,345, G>C on the plus strand (C>G on the coding strand, the complement: BARD1 is on the minus strand). VCF-style: chr2-214792345-G-C. GRCh37 (hg19) VCF-style: chr2-215657069-G-C.
Other names: c.259C>G, p.Gln87Glu (NM_001282543.2); c.316C>G, p.Gln106Glu (NM_001282549.2); c.158+17067C>G (NM_001282548.2); c.215+4716C>G (NM_001282545.2); short protein forms Q106E, Q87E.
Identifiers: ClinVar variation 3231796 (VCV003231796.1), dbSNP rs2106134639, ClinGen allele CA350460924.

ClinVar aggregate classification (germline): Uncertain significance (1 of 4 stars; one submission).

Conditions:
Hereditary cancer-predisposing syndrome. Also called: Neoplastic Syndromes, Hereditary; Tumor predisposition; Hereditary neoplastic syndrome; Hereditary Cancer Syndrome. Identifiers: Orphanet 140162, MedGen C0027672, MeSH D009386, MONDO:0015356.

Submission:

Ambry Genetics
Classification: Uncertain significance for Hereditary cancer-predisposing syndrome. Last evaluated: 2024-02-02. Review status: criteria provided, single submitter. Criteria: Ambry Variant Classification Scheme 2023. Collection method: clinical testing. Allele origin: germline.
Comment: The p.Q106E variant (also known as c.316C>G), located in coding exon 3 of the BARD1 gene, results from a C to G substitution at nucleotide position 316. The glutamine at codon 106 is replaced by glutamic acid, an amino acid with highly similar properties. This amino acid position is conserved. In addition, this alteration is predicted to be tolerated by in silico analysis. Based on the available evidence, the clinical significance of this alteration remains unclear.